The following is an entry in ClinVar:

NM_013447.4(ADGRE2):c.1076C>G (p.Ala359Gly)

Gene: ADGRE2 (adhesion G protein-coupled receptor E2; minus strand). Cytogenetic location: 19p13.12.
Variant type: single nucleotide variant.
Coding change: c.1076C>G on transcript NM_013447.4 (MANE Select); coding-DNA position 1076, C replaced by G.
Protein change: p.Ala359Gly; replaces alanine 359 with glycine.
Molecular consequence: missense variant.
Genome position (GRCh38, 1-based): chr19:14,764,441, G>C on the plus strand (C>G on the coding strand, the complement: ADGRE2 is on the minus strand). VCF-style: chr19-14764441-G-C. GRCh37 (hg19) VCF-style: chr19-14875253-G-C.
Other names: c.1076C>G, p.Ala359Gly (NM_001271052.1); c.929C>G, p.Ala310Gly (NM_152916.2); c.797C>G, p.Ala266Gly (NM_152917.2); short protein forms A359G, A266G, A310G.
Identifiers: ClinVar variation 3497308 (VCV003497308.2).

ClinVar aggregate classification (germline): Uncertain significance. Review status: criteria provided, multiple submitters, no conflicts (2 of 4 stars). 2 submissions from 2 submitters: Uncertain significance (2). Last evaluated 2025-08-23.

gnomAD v4.1: 13 of 1,613,018 alleles (0.00081%); highest among the groups gnomAD compares: East Asian, 0.027%; no homozygotes.

Submissions (2):

Labcorp Genetics (formerly Invitae), Labcorp
Classification: Uncertain significance. Last evaluated: 2025-08-23. Review status: criteria provided, single submitter. Criteria: Invitae Variant Classification Sherloc (09022015). Collection method: clinical testing. Allele origin: germline.
Comment: This sequence change replaces alanine, which is neutral and non-polar, with glycine, which is neutral and non-polar, at codon 359 of the ADGRE2 protein (p.Ala359Gly). This variant is present in population databases (rs556325856, gnomAD 0.04%). This variant has not been reported in the literature in individuals affected with ADGRE2-related conditions. ClinVar contains an entry for this variant (Variation ID: 3497308). An algorithm developed to predict the effect of missense changes on protein structure and function outputs the following: PolyPhen-2: "Benign". The glycine amino acid residue is found in multiple mammalian species, which suggests that this missense change does not adversely affect protein function. In summary, the available evidence is currently insufficient to determine the role of this variant in disease. Therefore, it has been classified as a Variant of Uncertain Significance.

Ambry Genetics
Classification: Uncertain significance. Last evaluated: 2024-08-28. Review status: criteria provided, single submitter. Criteria: Ambry Variant Classification Scheme 2023. Collection method: clinical testing. Allele origin: germline.